The following is an entry in ClinVar:

NM_000326.5(RLBP1):c.700C>G (p.Arg234Gly)

Gene: RLBP1 (retinaldehyde binding protein 1; minus strand). Cytogenetic location: 15q26.1.
Variant type: single nucleotide variant.
Coding change: c.700C>G on transcript NM_000326.5 (MANE Select); coding-DNA position 700, C replaced by G.
Protein change: p.Arg234Gly; replaces arginine 234 with glycine.
Molecular consequence: missense variant.
Genome position (GRCh38, 1-based): chr15:89,210,794, G>C on the plus strand (C>G on the coding strand, the complement: RLBP1 is on the minus strand). VCF-style: chr15-89210794-G-C. GRCh37 (hg19) VCF-style: chr15-89754025-G-C.
Other names: short protein forms R234G.
Identifiers: ClinVar variation 3366848 (VCV003366848.1).

ClinVar aggregate classification (germline): Uncertain significance (1 of 4 stars; one submission).

gnomAD v4.1: 2 of 1,589,084 alleles (0.00013%); highest among the groups gnomAD compares: African/African-American, 0.0027%; no homozygotes.

Submission:

Women's Health and Genetics/Laboratory Corporation of America, LabCorp
Classification: Uncertain significance. Last evaluated: 2024-08-12. Review status: criteria provided, single submitter. Criteria: LabCorp Variant Classification Summary - May 2015. Collection method: clinical testing. Allele origin: germline.
Comment: Variant summary: RLBP1 c.700C>G (p.Arg234Gly) results in a non-conservative amino acid change in the encoded protein sequence. Five of five in-silico tools predict a damaging effect of the variant on protein function. The variant allele was found at a frequency of 4.8e-06 in 209368 control chromosomes (gnomAD). To our knowledge, no occurrence of c.700C>G in individuals affected with Retinitis Pigmentosa and no experimental evidence demonstrating its impact on protein function have been reported. A different variant affecting the same codon has been classified as pathogenic by our lab (c.700C>T, p.Arg234Trp), supporting the critical relevance of codon 234 to RLBP1 protein function. No submitters have cited clinical-significance assessments for this variant to ClinVar. Based on the evidence outlined above, the variant was classified as VUS-possibly pathogenic.